The following is an entry in ClinVar:

NM_144997.7(FLCN):c.52A>G (p.Thr18Ala)

Gene: FLCN (folliculin; minus strand). Cytogenetic location: 17p11.2.
Variant type: single nucleotide variant.
Coding change: c.52A>G on transcript NM_144997.7 (MANE Select); coding-DNA position 52, A replaced by G.
Protein change: p.Thr18Ala; replaces threonine 18 with alanine.
Molecular consequence: missense variant.
Genome position (GRCh38, 1-based): chr17:17,228,086, T>C on the plus strand (A>G on the coding strand, the complement: FLCN is on the minus strand). VCF-style: chr17-17228086-T-C. GRCh37 (hg19) VCF-style: chr17-17131400-T-C.
Other names: c.52A>G, p.Thr18Ala (NM_001353231.2, NM_144606.7, NM_001353229.2 and 1 more transcripts); c.52A>G (LRG_325t1); short protein forms T18A.
Identifiers: ClinVar variation 650505 (VCV000650505.13), dbSNP rs761993256, ClinGen allele CA8416531.

ClinVar aggregate classification (germline): Uncertain significance. Review status: criteria provided, multiple submitters, no conflicts (2 of 4 stars). 3 submissions from 3 submitters: Uncertain significance (3). Last evaluated 2025-03-04.

Conditions:
Hereditary cancer-predisposing syndrome. Also called: Hereditary Cancer Syndrome; Tumor predisposition; Neoplastic Syndromes, Hereditary; Hereditary neoplastic syndrome. Identifiers: Orphanet 140162, MedGen C0027672, MeSH D009386, MONDO:0015356.
Birt-Hogg-Dube syndrome. Also called: Birt Hogg Dubé syndrome. Identifiers: Orphanet 122, MedGen C0346010, MONDO:0800444.

Allele frequency attached by ClinVar (database versions not stated): gnomAD exomes below 0.00001; ExAC 0.00001.
gnomAD v4.1: 4 of 1,613,350 alleles (0.00025%); highest among the groups gnomAD compares: East Asian, 0.0022%; no homozygotes.

Submissions (3):

Center for Genomic Medicine, Rigshospitalet, Copenhagen University Hospital
Classification: Uncertain significance. Last evaluated: 2025-03-04. Review status: criteria provided, single submitter. Criteria: ACMG Guidelines, 2015. Collection method: clinical testing. Allele origin: germline.

Ambry Genetics
Classification: Uncertain significance for Hereditary cancer-predisposing syndrome. Last evaluated: 2024-11-19. Review status: criteria provided, single submitter. Criteria: Ambry Variant Classification Scheme 2023. Collection method: clinical testing. Allele origin: germline.
Comment: The p.T18A variant (also known as c.52A>G), located in coding exon 1 of the FLCN gene, results from an A to G substitution at nucleotide position 52. The threonine at codon 18 is replaced by alanine, an amino acid with similar properties. This amino acid position is highly conserved in available vertebrate species. In addition, this alteration is predicted to be deleterious by in silico analysis. Based on the available evidence, the clinical significance of this variant remains unclear.

Labcorp Genetics (formerly Invitae), Labcorp
Classification: Uncertain significance for Birt-Hogg-Dube syndrome. Last evaluated: 2024-08-03. Review status: criteria provided, single submitter. Criteria: Invitae Variant Classification Sherloc (09022015). Collection method: clinical testing. Allele origin: germline.
Comment: This sequence change replaces threonine, which is neutral and polar, with alanine, which is neutral and non-polar, at codon 18 of the FLCN protein (p.Thr18Ala). This variant is present in population databases (rs761993256, gnomAD 0.0009%). This variant has not been reported in the literature in individuals affected with FLCN-related conditions. ClinVar contains an entry for this variant (Variation ID: 650505). Advanced modeling of protein sequence and biophysical properties (such as structural, functional, and spatial information, amino acid conservation, physicochemical variation, residue mobility, and thermodynamic stability) performed at Invitae indicates that this missense variant is not expected to disrupt FLCN protein function with a negative predictive value of 80%. In summary, the available evidence is currently insufficient to determine the role of this variant in disease. Therefore, it has been classified as a Variant of Uncertain Significance.